The following is an entry in ClinVar:

ClinVar aggregate classification (germline): Pathogenic (1 of 4 stars; one submission).

Conditions:
Retinitis pigmentosa 59 (RP59). Identifiers: Orphanet 791, MedGen C3151227, MONDO:0013468, OMIM 613861.

Submission:

Myriad Genetics, Inc.
Classification: Pathogenic for Retinitis pigmentosa 59. Last evaluated: 2024-05-14. Review status: criteria provided, single submitter. Criteria: Myriad Autosomal Dominant, Autosomal Recessive and X-Linked Classification Criteria (2023). Collection method: clinical testing. Allele origin: unknown.
Comment: NM_024887.3(DHDDS):c.584_586delACCinsCT(N195Tfs*9) is expected to be pathogenic in the context of retinitis pigmentosa, DHDDS-related. This variant is predicted to lead to an abnormal or absent protein product due to the creation of a premature termination codon in DHDDS, a gene where loss-of-function variants are known to be pathogenic. Please note: this variant was assessed in the context of healthy population screening.

NM_205861.3(DHDDS):c.584_586delinsCT (p.Asn195fs)

Gene: DHDDS (dehydrodolichyl diphosphate synthase subunit; plus strand). Cytogenetic location: 1p36.11.
Variant type: Indel.
Coding change: c.584_586delinsCT on transcript NM_205861.3 (MANE Select); coding-DNA positions 584 to 586, ACC replaced by CT.
Protein change: p.Asn195fs; shifts the reading frame from asparagine 195.
Molecular consequence: frameshift variant.
Genome position (GRCh38, 1-based): chr1:26,457,832-26,457,834, ACC replaced by CT. VCF-style: chr1-26457832-ACC-CT. GRCh37 (hg19) VCF-style: chr1-26784323-ACC-CT.
Other names: c.482_484delinsCT, p.Asn161fs (NM_001243564.2); c.467_469delinsCT, p.Asn156fs (NM_001243565.2); c.305_307delinsCT, p.Asn102fs (NM_001319959.2); c.584_586delinsCT, p.Asn195fs (NM_024887.4); short protein forms N102fs, N156fs, N161fs, N195fs.
Identifiers: ClinVar variation 5010783 (VCV005010783.1).